The following is an entry in ClinVar:

NM_005560.6(LAMA5):c.1206C>T (p.Gly402=)

Gene: LAMA5 (laminin subunit alpha 5; minus strand). Cytogenetic location: 20q13.33.
Variant type: single nucleotide variant.
Coding change: c.1206C>T on transcript NM_005560.6 (MANE Select); coding-DNA position 1206, C replaced by T.
Protein change: p.Gly402=; no amino-acid change (glycine 402 retained).
Molecular consequence: synonymous variant.
Genome position (GRCh38, 1-based): chr20:62,346,582, G>A on the plus strand (C>T on the coding strand, the complement: LAMA5 is on the minus strand). VCF-style: chr20-62346582-G-A. GRCh37 (hg19) VCF-style: chr20-60921638-G-A.
Identifiers: ClinVar variation 3030894 (VCV003030894.2), dbSNP rs1369739502, ClinGen allele CA511145377.

ClinVar aggregate classification (germline): Likely benign (0 of 4 stars; one submission).

Conditions:
LAMA5-related disorder. Also called: LAMA5-Related Disorders; LAMA5-related condition.

Allele frequency attached by ClinVar (database versions not stated): gnomAD exomes below 0.00001; gnomAD 0.00001; TOPMed 0.00001.
gnomAD v4.1: 12 of 1,592,112 alleles (0.00075%); highest among the groups gnomAD compares: African/African-American, 0.0027%; no homozygotes.

Submission:

PreventionGenetics, part of Exact Sciences
Classification: Likely benign for LAMA5-related condition. Last evaluated: 2021-08-24. Review status: no assertion criteria provided. Collection method: clinical testing. Allele origin: germline.
Comment: This variant is classified as likely benign based on ACMG/AMP sequence variant interpretation guidelines (Richards et al. 2015 PMID: 25741868, with internal and published modifications).